The following is an entry in ClinVar:

ClinVar aggregate classification (germline): Uncertain significance (1 of 4 stars; one submission).

Conditions:
Cardiovascular phenotype. Identifiers: MedGen CN230736.

Submission:

Ambry Genetics
Classification: Uncertain significance for Cardiovascular phenotype. Last evaluated: 2020-01-30. Review status: criteria provided, single submitter. Criteria: Ambry Variant Classification Scheme 2023. Collection method: clinical testing. Allele origin: germline.
Comment: The p.A25998V variant (also known as c.77993C>T), located in coding exon 185 of the TTN gene, results from a C to T substitution at nucleotide position 77993. The alanine at codon 25998 is replaced by valine, an amino acid with similar properties. This amino acid position is well conserved in available vertebrate species. In addition, this alteration is predicted to be tolerated by in silico analysis. Since supporting evidence is limited at this time, the clinical significance of this alteration remains unclear.

NM_001267550.2(TTN):c.105188C>T (p.Ala35063Val)

Genes: TTN (titin; minus strand), TTN-AS1 (TTN antisense RNA 1; plus strand). Cytogenetic location: 2q31.2.
Variant type: single nucleotide variant.
Coding change: c.105188C>T on transcript NM_001267550.2 (MANE Select); coding-DNA position 105188, C replaced by T.
Protein change: p.Ala35063Val; replaces alanine 35063 with valine.
Molecular consequence: missense variant.
Genome position (GRCh38, 1-based): chr2:178,531,427, G>A on the plus strand (C>T on the coding strand, the complement: TTN is on the minus strand). VCF-style: chr2-178531427-G-A. GRCh37 (hg19) VCF-style: chr2-179396154-G-A.
Other names: c.100265C>T, p.Ala33422Val (NM_001256850.1); c.77993C>T, p.Ala25998Val (NM_003319.4); c.97484C>T, p.Ala32495Val (NM_133378.4); c.78368C>T, p.Ala26123Val (NM_133432.3); c.78569C>T, p.Ala26190Val (NM_133437.4); short protein forms A26190V, A26123V, A35063V, A25998V, A32495V, A33422V.
Identifiers: ClinVar variation 1760657 (VCV001760657.2), dbSNP rs2468409292, ClinGen allele CA349409304.
Genomic context (GRCh38, chr2:178,531,427, plus strand): 5'-TTCACTTCCCTGACAGAAGACGAAGCTTCCATCTCAGATGTTTTCTTAAATGATGAAACA[G>A]CATACGCCTCTGTTCTTGTCAGCTCAGGGAAAACAGATCTGGGGACCTCTTCATCTCTGC-3'
Protein context (NP_001254479.2, residues 35053-35073): FPELTRTEAY[Ala35063Val]VSSFKKTSEM